The following is an entry in ClinVar:

NM_054012.4(ASS1):c.566+1G>T

Gene: ASS1 (argininosuccinate synthase 1; plus strand). Cytogenetic location: 9q34.11.
Variant type: single nucleotide variant.
Coding change: c.566+1G>T on transcript NM_054012.4 (MANE Select); the canonical splice donor site of the intron after coding-DNA position 566, G replaced by T.
Molecular consequence: splice donor variant.
Genome position (GRCh38, 1-based): chr9:130,470,905, G>T. VCF-style: chr9-130470905-G-T. GRCh37 (hg19) VCF-style: chr9-133346292-G-T.
Other names: c.566+1G>T (NM_000050.4).
Identifiers: ClinVar variation 379598 (VCV000379598.4), dbSNP rs1057520659, ClinGen allele CA16605533.
Genomic context (GRCh38, chr9:130,470,905, plus strand): 5'-TCCCATCCCGGTCACTCCCAAGAACCCGTGGAGCATGGATGAGAACCTCATGCACATCAG[G>T]TAAATCCCACCCTCCACCCATCCTTGGTCCTCCCGGGCTCATTCCAAAGGACGGCCACGC-3'

ClinVar aggregate classification (germline): Pathogenic/Likely pathogenic. Review status: criteria provided, multiple submitters, no conflicts (2 of 4 stars). 2 submissions from 2 submitters: Pathogenic (1); Likely pathogenic (1). Last evaluated 2024-02-28.

Conditions:
Citrullinemia type I (CTNL1). Also called: argininosuccinate synthetase deficiency; ASS DEFICIENCY. Identifiers: Orphanet 247525, MedGen C4721769, MONDO:0008988, OMIM 215700.

Submissions (2):

Baylor Genetics
Classification: Likely pathogenic for Citrullinemia type I. Last evaluated: 2024-02-28. Review status: criteria provided, single submitter. Criteria: ACMG Guidelines, 2015. Collection method: clinical testing. Allele origin: unknown.

GeneDx
Classification: Pathogenic. Last evaluated: 2015-04-20. Review status: criteria provided, single submitter. Criteria: GeneDx Variant Classification (06012015). Collection method: clinical testing. Allele origin: germline. Affected: yes.
Comment: The c.566+1 G>T splice site variant in the ASS1 gene destroys the canonical splice donor site in intron8. It is predicted to cause abnormal gene splicing, either leading to an abnormal message that is subject tononsense-mediated mRNA decay, or to an abnormal protein product if the message is used for proteintranslation. Although this variant has not been previously reported to our knowledge, it is expected to bepathogenic.